The following is an entry in ClinVar:

NM_001103.4(ACTN2):c.1229C>A (p.Ala410Asp)

Gene: ACTN2 (actinin alpha 2; plus strand). Cytogenetic location: 1q43.
Variant type: single nucleotide variant.
Coding change: c.1229C>A on transcript NM_001103.4 (MANE Select); coding-DNA position 1229, C replaced by A.
Protein change: p.Ala410Asp; replaces alanine 410 with aspartic acid.
Molecular consequence: missense variant. On other transcripts: non-coding transcript variant (1).
Genome position (GRCh38, 1-based): chr1:236,743,017, C>A. VCF-style: chr1-236743017-C-A. GRCh37 (hg19) VCF-style: chr1-236906317-C-A.
Other names: c.1229C>A, p.Ala410Asp (NM_001278343.2); short protein forms A410D.
Identifiers: ClinVar variation 3484298 (VCV003484298.1).

ClinVar aggregate classification (germline): Uncertain significance (1 of 4 stars; one submission).

Conditions:
Cardiovascular phenotype. Identifiers: MedGen CN230736.

gnomAD v4.1: 1 of 1,614,014 alleles (0.000062%); highest among the groups gnomAD compares: Non-Finnish European, 0.000085%; no homozygotes.

Submission:

Ambry Genetics
Classification: Uncertain significance for Cardiovascular phenotype. Last evaluated: 2024-10-24. Review status: criteria provided, single submitter. Criteria: Ambry Variant Classification Scheme 2023. Collection method: clinical testing. Allele origin: germline.
Comment: The p.A410D variant (also known as c.1229C>A), located in coding exon 11 of the ACTN2 gene, results from a C to A substitution at nucleotide position 1229. The alanine at codon 410 is replaced by aspartic acid, an amino acid with dissimilar properties. This amino acid position is conserved. In addition, this alteration is predicted to be deleterious by in silico analysis. Based on the available evidence, the clinical significance of this variant remains unclear.